The following is an entry in ClinVar:

NM_004006.3(DMD):c.445C>T (p.Arg149Cys)

Gene: DMD (dystrophin; minus strand). Cytogenetic location: Xp21.1.
Variant type: single nucleotide variant.
Coding change: c.445C>T on transcript NM_004006.3 (MANE Select); coding-DNA position 445, C replaced by T.
Protein change: p.Arg149Cys; replaces arginine 149 with cysteine.
Molecular consequence: missense variant.
Genome position (GRCh38, 1-based): chrX:32,816,553, G>A on the plus strand (C>T on the coding strand, the complement: DMD is on the minus strand). VCF-style: chrX-32816553-G-A. GRCh37 (hg19) VCF-style: chrX-32834670-G-A.
Other names: c.421C>T, p.Arg141Cys (NM_000109.4); c.433C>T, p.Arg145Cys (NM_004009.3); c.76C>T, p.Arg26Cys (NM_004010.3); short protein forms R145C, R141C, R149C, R26C.
Identifiers: ClinVar variation 644000 (VCV000644000.11), dbSNP rs774139970, ClinGen allele CA10380155.

ClinVar aggregate classification (germline): Conflicting classifications of pathogenicity. Review status: criteria provided, conflicting classifications (1 of 4 stars). 3 submissions from 3 submitters: Uncertain significance (1); Likely benign (1). 1 of the submissions does not count toward it. Last evaluated 2024-11-03.

Conditions:
Cardiomyopathy (CMYO). Also called: Cardiomyopathies. Identifiers: Orphanet 167848, MedGen C0878544, MONDO:0004994, HP:0001638. Inheritance: Various modes of inheritance.
Duchenne muscular dystrophy (DMD). Also called: MUSCULAR DYSTROPHY, PSEUDOHYPERTROPHIC PROGRESSIVE, DUCHENNE TYPE; Duchenne Muscular Dystrophy (DMD). Identifiers: Orphanet 98896, MedGen C0013264, MONDO:0010679, OMIM 310200.
Becker muscular dystrophy (BMD). Also called: MUSCULAR DYSTROPHY, PSEUDOHYPERTROPHIC PROGRESSIVE, BECKER TYPE; Becker Muscular Dystrophy (BMD). Identifiers: Orphanet 98895, MedGen C0917713, MONDO:0010311, OMIM 300376.
Dystrophin deficiency.
Cardiovascular phenotype. Identifiers: MedGen CN230736.

gnomAD v4.1: 4 of 1,211,131 alleles (0.00033%); highest among the groups gnomAD compares: East Asian, 0.003%; no homozygotes.

Submissions (3):

Labcorp Genetics (formerly Invitae), Labcorp
Classification: Likely benign for Duchenne muscular dystrophy. Last evaluated: 2024-11-03. Review status: criteria provided, single submitter. Criteria: Invitae Variant Classification Sherloc (09022015). Collection method: clinical testing. Allele origin: germline.

Ambry Genetics
Classification: Uncertain significance for Cardiovascular phenotype. Last evaluated: 2024-03-14. Review status: criteria provided, single submitter. Criteria: Ambry Variant Classification Scheme 2023. Collection method: clinical testing. Allele origin: germline.
Comment: The p.R149C variant (also known as c.445C>T), located in coding exon 6 of the DMD gene, results from a C to T substitution at nucleotide position 445. The arginine at codon 149 is replaced by cysteine, an amino acid with highly dissimilar properties. Based on data from gnomAD, the T allele has an overall frequency of 0.0011% (2/183432) total alleles studied, with 2 hemizygote(s) observed. The highest observed frequency was 0.0072% (1/13855) of East Asian alleles. This amino acid position is highly conserved in available vertebrate species. In addition, the in silico prediction for this alteration is inconclusive. Based on the available evidence, the clinical significance of this alteration remains unclear.

Natera, Inc.
Classification: Uncertain significance for Becker muscular dystrophy; Cardiomyopathy; Duchenne muscular dystrophy; Dystrophin deficiency. Last evaluated: 2019-06-10. Review status: no assertion criteria provided. Collection method: clinical testing. Allele origin: germline. Not counted in ClinVar's aggregate classification.